The following is an entry in ClinVar:

NM_001040142.2(SCN2A):c.2816T>C (p.Leu939Pro)

Gene: SCN2A (sodium voltage-gated channel alpha subunit 2; plus strand). Cytogenetic location: 2q24.3.
Variant type: single nucleotide variant.
Coding change: c.2816T>C on transcript NM_001040142.2 (MANE Select); coding-DNA position 2816, T replaced by C.
Protein change: p.Leu939Pro; replaces leucine 939 with proline.
Molecular consequence: missense variant.
Genome position (GRCh38, 1-based): chr2:165,344,808, T>C. VCF-style: chr2-165344808-T-C. GRCh37 (hg19) VCF-style: chr2-166201318-T-C.
Other names: c.2816T>C, p.Leu939Pro (NM_001040143.2, NM_001371246.1, NM_001371247.1 and 1 more transcripts); short protein forms L939P.
Identifiers: ClinVar variation 2532195 (VCV002532195.2), dbSNP rs2468008256, ClinGen allele CA349015810.

ClinVar aggregate classification (germline): Likely pathogenic (1 of 4 stars; one submission).

Conditions:
Inborn genetic diseases. Identifiers: MedGen C0950123, MeSH D030342.

Submission:

Ambry Genetics
Classification: Likely pathogenic for Inborn genetic diseases. Last evaluated: 2023-05-16. Review status: criteria provided, single submitter. Criteria: Ambry Variant Classification Scheme 2023. Collection method: clinical testing. Allele origin: germline.
Comment: The c.2816T>C (p.L939P) alteration is located in exon 16 (coding exon 15) of the SCN2A gene. This alteration results from a T to C substitution at nucleotide position 2816, causing the leucine (L) at amino acid position 939 to be replaced by a proline (P). This variant was not reported in population-based cohorts in the Genome Aggregation Database (gnomAD). This amino acid position is highly conserved in available vertebrate species. This missense alteration is located in a region that has a low rate of benign missense variation (Lek, 2016; Firth, 2009). This alteration is predicted to be deleterious by in silico analysis. Based on the available evidence, this alteration is classified as likely pathogenic.